The following is an entry in ClinVar:

NM_031407.7(HUWE1):c.10026A>G (p.Gln3342=)

Gene: HUWE1 (HECT, UBA and WWE domain containing E3 ubiquitin protein ligase 1; minus strand). Cytogenetic location: Xp11.22.
Variant type: single nucleotide variant.
Coding change: c.10026A>G on transcript NM_031407.7 (MANE Select); coding-DNA position 10026, A replaced by G.
Protein change: p.Gln3342=; no amino-acid change (glutamine 3342 retained).
Molecular consequence: synonymous variant.
Genome position (GRCh38, 1-based): chrX:53,548,968, T>C on the plus strand (A>G on the coding strand, the complement: HUWE1 is on the minus strand). VCF-style: chrX-53548968-T-C. GRCh37 (hg19) VCF-style: chrX-53575929-T-C.
Other names: c.10026A>G (NM_031407.6).
Identifiers: ClinVar variation 2962050 (VCV002962050.4), dbSNP rs370047019, ClinGen allele CA10421596.

ClinVar aggregate classification (germline): Likely benign. Review status: criteria provided, single submitter (1 of 4 stars). 2 submissions from 2 submitters: Likely benign (1). 1 of the submissions does not count toward it. Last evaluated 2022-11-23.

Conditions:
HUWE1-related disorder. Also called: HUWE1-related condition.

Allele frequency attached by ClinVar (database versions not stated): gnomAD 0.00002; TOPMed 0.00002; gnomAD exomes 0.00005; ExAC 0.00007; ESP Exome Variant Server 0.00009.
gnomAD v4.1: 58 of 1,195,896 alleles (0.0048%); highest among the groups gnomAD compares: Non-Finnish European, 0.0061%; no homozygotes.

Submissions (2):

Labcorp Genetics (formerly Invitae), Labcorp
Classification: Likely benign. Last evaluated: 2022-11-23. Review status: criteria provided, single submitter. Criteria: Invitae Variant Classification Sherloc (09022015). Collection method: clinical testing. Allele origin: germline.

PreventionGenetics, part of Exact Sciences
Classification: Likely benign for HUWE1-related condition. Last evaluated: 2024-09-18. Review status: no assertion criteria provided. Collection method: clinical testing. Allele origin: germline. Not counted in ClinVar's aggregate classification.
Comment: This variant is classified as likely benign based on ACMG/AMP sequence variant interpretation guidelines (Richards et al. 2015 PMID: 25741868, with internal and published modifications).